The following is an entry in ClinVar:

NM_007294.4(BRCA1):c.483T>G (p.Thr161=)

Gene: BRCA1 (BRCA1 DNA repair associated; minus strand). Cytogenetic location: 17q21.31.
Variant type: single nucleotide variant.
Coding change: c.483T>G on transcript NM_007294.4 (MANE Select); coding-DNA position 483, T replaced by G.
Protein change: p.Thr161=; no amino-acid change (threonine 161 retained).
Molecular consequence: synonymous variant. On other transcripts: intron variant (2).
Genome position (GRCh38, 1-based): chr17:43,099,839, A>C on the plus strand (T>G on the coding strand, the complement: BRCA1 is on the minus strand). VCF-style: chr17-43099839-A-C. GRCh37 (hg19) VCF-style: chr17-41251856-A-C.
Other names: c.339T>G, p.Thr113= (NM_001407964.1, NM_001407740.1, NM_001407741.1 and 35 more transcripts); c.102T>G, p.Thr34= (NM_001407965.1, NM_001407963.1, NM_001407959.1 and 3 more transcripts); c.270T>G, p.Thr90= (NM_001407571.1, NM_001407853.1, NM_001407894.1 and 18 more transcripts); c.483T>G, p.Thr161= (NM_001407581.1, NM_001407582.1, NM_001407583.1 and 97 more transcripts); c.480T>G, p.Thr160= (NM_001407587.1, NM_001407590.1, NM_001407591.1 and 65 more transcripts); c.474T>G, p.Thr158= (NM_001407646.1, NM_001407647.1, NM_001408408.1); c.405T>G, p.Thr135= (NM_001407653.1, NM_001407654.1, NM_001407655.1 and 12 more transcripts); c.402T>G, p.Thr134= (NM_001407659.1, NM_001407660.1, NM_001407661.1 and 6 more transcripts); and 5 more.
Identifiers: ClinVar variation 628928 (VCV000628928.17), dbSNP rs1060504575, ClinGen allele CA500124573.

ClinVar aggregate classification (germline): Conflicting classifications of pathogenicity. Review status: criteria provided, conflicting classifications (1 of 4 stars). 4 submissions from 4 submitters: Uncertain significance (1); Likely benign (3). Last evaluated 2023-12-05.

Conditions:
Hereditary cancer-predisposing syndrome. Also called: Neoplastic Syndromes, Hereditary; Tumor predisposition; Hereditary neoplastic syndrome; Hereditary Cancer Syndrome. Identifiers: Orphanet 140162, MedGen C0027672, MeSH D009386, MONDO:0015356.
Hereditary breast ovarian cancer syndrome. Also called: Hereditary breast and ovarian cancer syndrome; Hereditary breast and ovarian cancer; Hereditary breast and ovarian cancer syndrome (HBOC); Breast and ovarian cancer; Hereditary breast and/or ovarian cancer syndrome; BRCA1- and BRCA2-Associated Hereditary Breast and Ovarian Cancer. Identifiers: Orphanet 145, MedGen C0677776, MeSH D061325, MONDO:0003582. Disease mechanism: loss of function.

Allele frequency attached by ClinVar (database versions not stated): gnomAD exomes below 0.00001.

Submissions (4):

Color Diagnostics, LLC DBA Color Health
Classification: Likely benign for Hereditary cancer-predisposing syndrome. Last evaluated: 2023-12-05. Review status: criteria provided, single submitter. Criteria: ACMG Guidelines, 2015. Collection method: clinical testing. Allele origin: germline.

Labcorp Genetics (formerly Invitae), Labcorp
Classification: Likely benign for Hereditary breast ovarian cancer syndrome. Last evaluated: 2023-10-23. Review status: criteria provided, single submitter. Criteria: Invitae Variant Classification Sherloc (09022015). Collection method: clinical testing. Allele origin: germline.

Sema4
Classification: Uncertain significance for Hereditary cancer-predisposing syndrome. Last evaluated: 2021-10-28. Review status: criteria provided, single submitter. Criteria: Sema4 Curation Guidelines. Collection method: curation. Allele origin: germline.
Comment: The BRCA1 c.483T>G (p.T161=) variant has not been reported in the literature to our knowledge. It was observed in 1/113736 chromosomes of the Non-Finnish European subpopulation in the large and broad cohorts of the Genome Aggregation Database (PMID: 32461654). The variant has been reported in ClinVar (Variation ID: 628928). Splice site prediction tools suggest the variant may lead to the creation of a cryptic splice donor site, however, these predictions have not been confirmed by transcriptional studies. The evidence is insufficient to meet ACMG/AMP criteria for classifying the variant as benign or pathogenic. Thus, the clinical significance of this variant is currently uncertain.

Ambry Genetics
Classification: Likely benign for Hereditary cancer-predisposing syndrome. Last evaluated: 2021-05-18. Review status: criteria provided, single submitter. Criteria: Ambry Variant Classification Scheme 2023. Collection method: clinical testing. Allele origin: germline.